The following is an entry in ClinVar:

NM_018834.6(MATR3):c.2066C>A (p.Ser689Tyr)

Genes: MATR3 (matrin 3; plus strand), LOC126807526 (CDK7 strongly-dependent group 2 enhancer GRCh37_chr5:138657767-138658966; plus strand). Cytogenetic location: 5q31.2.
Variant type: single nucleotide variant.
Coding change: c.2066C>A on transcript NM_018834.6 (MANE Select); coding-DNA position 2066, C replaced by A.
Protein change: p.Ser689Tyr; replaces serine 689 with tyrosine.
Molecular consequence: missense variant.
Genome position (GRCh38, 1-based): chr5:139,322,885, C>A. VCF-style: chr5-139322885-C-A. GRCh37 (hg19) VCF-style: chr5-138658574-C-A.
Other names: c.2066C>A, p.Ser689Tyr (NM_001194954.2, NM_001194955.2, NM_199189.3); c.1202C>A, p.Ser401Tyr (NM_001194956.2); c.1052C>A, p.Ser351Tyr (NM_001282278.2); short protein forms S401Y, S351Y, S689Y.
Identifiers: ClinVar variation 842173 (VCV000842173.10), dbSNP rs765251685, ClinGen allele CA3433296.

ClinVar aggregate classification (germline): Uncertain significance (1 of 4 stars; one submission).

Conditions:
Amyotrophic lateral sclerosis type 21. Also called: VOCAL CORD AND PHARYNGEAL DYSFUNCTION WITH DISTAL MYOPATHY; MYOPATHY, DISTAL, 2. Identifiers: Orphanet 600, Orphanet 803, MedGen C3807521, MONDO:0011632, OMIM 606070.

Allele frequency attached by ClinVar (database versions not stated): gnomAD exomes below 0.00001 and 0.00001; ExAC 0.00001.
gnomAD v4.1: 11 of 1,613,792 alleles (0.00068%); highest among the groups gnomAD compares: Non-Finnish European, 0.00093%; no homozygotes.

Submission:

Labcorp Genetics (formerly Invitae), Labcorp
Classification: Uncertain significance for Amyotrophic lateral sclerosis type 21. Last evaluated: 2025-12-22. Review status: criteria provided, single submitter. Criteria: Invitae Variant Classification Sherloc (09022015). Collection method: clinical testing. Allele origin: germline.
Comment: This sequence change replaces serine, which is neutral and polar, with tyrosine, which is neutral and polar, at codon 689 of the MATR3 protein (p.Ser689Tyr). This variant is present in population databases (rs765251685, gnomAD 0.0009%). This variant has not been reported in the literature in individuals affected with MATR3-related conditions. ClinVar contains an entry for this variant (Variation ID: 842173). Invitae Evidence Modeling of protein sequence and biophysical properties (such as structural, functional, and spatial information, amino acid conservation, physicochemical variation, residue mobility, and thermodynamic stability) indicates that this missense variant is not expected to disrupt MATR3 protein function with a negative predictive value of 80%. In summary, the available evidence is currently insufficient to determine the role of this variant in disease. Therefore, it has been classified as a Variant of Uncertain Significance.